The following is an entry in ClinVar:

ClinVar aggregate classification (germline): Uncertain significance (1 of 4 stars; one submission).

Submission:

Labcorp Genetics (formerly Invitae), Labcorp
Classification: Uncertain significance. Last evaluated: 2024-10-15. Review status: criteria provided, single submitter. Criteria: Invitae Variant Classification Sherloc (09022015). Collection method: clinical testing. Allele origin: germline.
Comment: This variant, c.617_619del, results in the deletion of 1 amino acid(s) of the PRPF4 protein (p.Thr206del), but otherwise preserves the integrity of the reading frame. This variant is not present in population databases (gnomAD no frequency). This variant has not been reported in the literature in individuals affected with PRPF4-related conditions. Experimental studies and prediction algorithms are not available or were not evaluated, and the functional significance of this variant is currently unknown. In summary, the available evidence is currently insufficient to determine the role of this variant in disease. Therefore, it has been classified as a Variant of Uncertain Significance.

NM_001244926.2(PRPF4):c.611CAA[1] (p.Thr205del)

Gene: PRPF4 (pre-mRNA splicing tri-snRNP complex factor PRPF4; plus strand). Cytogenetic location: 9q32.
Variant type: Microsatellite.
Coding change: c.611CAA[1] on transcript NM_001244926.2 (MANE Select); one copy of the 3-base unit CAA starting at c.611; the reference has two copies in a row; one copy, 3 bases deleted.
Protein change: p.Thr205del; deletes threonine 205.
Molecular consequence: inframe deletion. On other transcripts: 5 prime UTR variant (2), non-coding transcript variant (2).
Genome position (GRCh38, 1-based): chr9:113,283,442-113,283,444, CAA deleted; deleting any 3 consecutive bases within chr9:113,283,438-113,283,444 gives the same sequence; the position shown is the placement nearest the transcript's 3' end. VCF-style (leftmost placement, unchanged base first): chr9-113283437-GACA-G. GRCh37 (hg19) VCF-style: chr9-116045717-GACA-G.
Other names: c.-155CAA[1] (NM_001322266.2, NM_001322267.2); c.614CAA[1], p.Thr206del (NM_004697.5); short protein forms T205del, T206del.
Identifiers: ClinVar variation 2125194 (VCV002125194.4), dbSNP rs2490811842, ClinGen allele CA2580616289.